The following is an entry in ClinVar:

NM_032730.5(RTN4IP1):c.946G>A (p.Gly316Ser)

Gene: RTN4IP1 (reticulon 4 interacting protein 1; minus strand). Cytogenetic location: 6q21.
Variant type: single nucleotide variant.
Coding change: c.946G>A on transcript NM_032730.5 (MANE Select); coding-DNA position 946, G replaced by A.
Protein change: p.Gly316Ser; replaces glycine 316 with serine.
Molecular consequence: missense variant.
Genome position (GRCh38, 1-based): chr6:106,587,723, C>T on the plus strand (G>A on the coding strand, the complement: RTN4IP1 is on the minus strand). VCF-style: chr6-106587723-C-T. GRCh37 (hg19) VCF-style: chr6-107035598-C-T.
Other names: c.646G>A, p.Gly216Ser (NM_001318746.1); short protein forms G216S, G316S.
Identifiers: ClinVar variation 4773599 (VCV004773599.1).

ClinVar aggregate classification (germline): Uncertain significance (1 of 4 stars; one submission).

Submission:

Labcorp Genetics (formerly Invitae), Labcorp
Classification: Uncertain significance. Last evaluated: 2025-10-18. Review status: criteria provided, single submitter. Criteria: Invitae Variant Classification Sherloc (09022015). Collection method: clinical testing. Allele origin: germline.
Comment: This sequence change replaces glycine, which is neutral and non-polar, with serine, which is neutral and polar, at codon 316 of the RTN4IP1 protein (p.Gly316Ser). This variant is not present in population databases (gnomAD no frequency). This variant has not been reported in the literature in individuals affected with RTN4IP1-related conditions. Invitae Evidence Modeling of protein sequence and biophysical properties (such as structural, functional, and spatial information, amino acid conservation, physicochemical variation, residue mobility, and thermodynamic stability) has been performed for this missense variant. However, the output from this modeling did not meet the statistical confidence thresholds required to predict the impact of this variant on RTN4IP1 protein function. In summary, the available evidence is currently insufficient to determine the role of this variant in disease. Therefore, it has been classified as a Variant of Uncertain Significance.